The following is an entry in ClinVar:

NM_138694.4(PKHD1):c.6794A>T (p.His2265Leu)

Gene: PKHD1 (PKHD1 ciliary IPT domain containing fibrocystin/polyductin; minus strand). Cytogenetic location: 6p12.2.
Variant type: single nucleotide variant.
Coding change: c.6794A>T on transcript NM_138694.4 (MANE Select); coding-DNA position 6794, A replaced by T.
Protein change: p.His2265Leu; replaces histidine 2265 with leucine.
Molecular consequence: missense variant.
Genome position (GRCh38, 1-based): chr6:51,906,229, T>A on the plus strand (A>T on the coding strand, the complement: PKHD1 is on the minus strand). VCF-style: chr6-51906229-T-A. GRCh37 (hg19) VCF-style: chr6-51771027-T-A.
Other names: c.6794A>T, p.His2265Leu (NM_170724.3); c.6794A>T (NM_138694.3); short protein forms H2265L.
Identifiers: ClinVar variation 2142127 (VCV002142127.6), dbSNP rs1554300376, ClinGen allele CA364432359.
Genomic context (GRCh38, chr6:51,906,229, plus strand): 5'-TGTCCTACACAAGAATGCAGAAATTCAACAAGCTTGTTTTACTTACCAACTAGCAGCGCA[T>A]GACCTAAAATATTGTAGAATACATTACTGTCCACCTTCAGGCCCAAGGTCCCGCACATGC-3'
Protein context (NP_619639.3, residues 2255-2275): DSNVFYNILG[His2265Leu]ALLVGTCTEM

ClinVar aggregate classification (germline): Pathogenic/Likely pathogenic. Review status: criteria provided, multiple submitters, no conflicts (2 of 4 stars). 2 submissions from 2 submitters: Pathogenic (1); Likely pathogenic (1). Last evaluated 2025-11-18.

Conditions:
Autosomal recessive polycystic kidney disease (ARPKD). Also called: AR polycystic kidney disease. Identifiers: Orphanet 731, Orphanet 8378, MedGen C0085548, MeSH D017044, MONDO:0009889.

gnomAD v4.1: 9 of 1,612,138 alleles (0.00056%); highest among the groups gnomAD compares: East Asian, 0.016%; no homozygotes.

Submissions (2):

Natera, Inc.
Classification: Likely pathogenic for Autosomal recessive polycystic kidney disease. Last evaluated: 2025-11-18. Review status: criteria provided, single submitter. Criteria: Natera Variant Classification Schema (03/2026). Collection method: clinical testing. Allele origin: germline.
Comment: The c.6794A>T variant in PKHD1 is a missense variant predicted to cause substitution of histidine to leucine at amino acid 2265. This variant is rare in the general population with a frequency below the threshold expected for the associated phenotype(s). This variant has been observed in one or more individuals affected with the associated recessive disease, as either homozygous or compound heterozygous with a second variant (PMID: 34536170). Computational prediction algorithms indicate this variant is likely to affect gene or protein function. Given the available evidence, this variant is classified as Likely Pathogenic.

Labcorp Genetics (formerly Invitae), Labcorp
Classification: Pathogenic for Autosomal recessive polycystic kidney disease. Last evaluated: 2023-06-23. Review status: criteria provided, single submitter. Criteria: Invitae Variant Classification Sherloc (09022015). Collection method: clinical testing. Allele origin: germline.
Comment: This variant is not present in population databases (gnomAD no frequency). This missense change has been observed in individual(s) with clinical features of polycystic kidney disease (PMID: 34536170). In at least one individual the data is consistent with being in trans (on the opposite chromosome) from a pathogenic variant. ClinVar contains an entry for this variant (Variation ID: 2142127). Advanced modeling of protein sequence and biophysical properties (such as structural, functional, and spatial information, amino acid conservation, physicochemical variation, residue mobility, and thermodynamic stability) performed at Invitae indicates that this missense variant is expected to disrupt PKHD1 protein function. For these reasons, this variant has been classified as Pathogenic. This sequence change replaces histidine, which is basic and polar, with leucine, which is neutral and non-polar, at codon 2265 of the PKHD1 protein (p.His2265Leu).

Literature cited by the submitters: PubMed 34536170 (cited by Natera, Inc. and Labcorp Genetics (formerly Invitae), Labcorp).